The following is an entry in ClinVar:

ClinVar aggregate classification (germline): Uncertain significance. Review status: criteria provided, multiple submitters, no conflicts (2 of 4 stars). 2 submissions from 2 submitters: Uncertain significance (2). Last evaluated 2025-04-13.

Conditions:
Ataxia-telangiectasia syndrome (AT). Also called: Ataxia-telangiectasia, complementation group D; AT, COMPLEMENTATION GROUP C; ATAXIA-TELANGIECTASIA, COMPLEMENTATION GROUP A; ATAXIA-TELANGIECTASIA, FRESNO VARIANT; Ataxia-telangiectasia; Ataxia telangiectasia (A-T). Identifiers: Orphanet 100, MedGen C0004135, MONDO:0008840, OMIM 208900.

Allele frequency attached by ClinVar (database versions not stated): gnomAD exomes below 0.00001.
gnomAD v4.1: 1 of 1,613,654 alleles (0.000062%); highest among the groups gnomAD compares: Non-Finnish European, 0.000085%; no homozygotes.

Submissions (2):

Labcorp Genetics (formerly Invitae), Labcorp
Classification: Uncertain significance for Ataxia-telangiectasia syndrome. Last evaluated: 2025-04-13. Review status: criteria provided, single submitter. Criteria: Invitae Variant Classification Sherloc (09022015). Collection method: clinical testing. Allele origin: germline.
Comment: This sequence change replaces threonine, which is neutral and polar, with isoleucine, which is neutral and non-polar, at codon 2934 of the ATM protein (p.Thr2934Ile). This variant is not present in population databases (gnomAD no frequency). This variant has not been reported in the literature in individuals affected with ATM-related conditions. ClinVar contains an entry for this variant (Variation ID: 954269). Invitae Evidence Modeling of protein sequence and biophysical properties (such as structural, functional, and spatial information, amino acid conservation, physicochemical variation, residue mobility, and thermodynamic stability) indicates that this missense variant is expected to disrupt ATM protein function with a positive predictive value of 95%. In summary, the available evidence is currently insufficient to determine the role of this variant in disease. Therefore, it has been classified as a Variant of Uncertain Significance.

CeGaT Center for Human Genetics Tuebingen
Classification: Uncertain significance. Last evaluated: 2024-08-01. Review status: criteria provided, single submitter. Criteria: CeGaT Center For Human Genetics Tuebingen Variant Classification Criteria Version 2. Collection method: clinical testing. Allele origin: germline. Affected: yes. Observed: 1 variant allele.
Comment: ATM: PM2, PP3

NM_000051.4(ATM):c.8801C>T (p.Thr2934Ile)

Genes: ATM (ATM serine/threonine kinase; plus strand), C11orf65 (chromosome 11 open reading frame 65; minus strand). Cytogenetic location: 11q22.3.
Variant type: single nucleotide variant.
Coding change: c.8801C>T on transcript NM_000051.4 (MANE Select); coding-DNA position 8801, C replaced by T.
Protein change: p.Thr2934Ile; replaces threonine 2934 with isoleucine.
Molecular consequence: missense variant. On other transcripts: intron variant (2).
Genome position (GRCh38, 1-based): chr11:108,354,825, C>T. VCF-style: chr11-108354825-C-T. GRCh37 (hg19) VCF-style: chr11-108225552-C-T.
Other names: c.8801C>T, p.Thr2934Ile (NM_001351834.2); c.640+31095G>A (NM_001330368.2); c.695-19533G>A (NM_001351110.2); short protein forms T2934I.
Identifiers: ClinVar variation 954269 (VCV000954269.25), dbSNP rs1591314020, ClinGen allele CA382525649.